The following is an entry in ClinVar:

ClinVar aggregate classification (germline): Pathogenic/Likely pathogenic. Review status: criteria provided, multiple submitters, no conflicts (2 of 4 stars). 2 submissions from 2 submitters: Pathogenic (1); Likely pathogenic (1). Last evaluated 2025-05-22.

Conditions:
Autosomal dominant SCN2A-related disorders.
Developmental and epileptic encephalopathy, 11 (DEE11). Also called: Early infantile epileptic encephalopathy 11. Identifiers: Orphanet 1934, MedGen C3150987, MONDO:0013388, OMIM 613721.
Seizures, benign familial infantile, 3 (BFIS3). Also called: CONVULSIONS, BENIGN FAMILIAL INFANTILE, 3; Familial neonatal seizures. Identifiers: Orphanet 140927, Orphanet 306, MedGen C1843140, MONDO:0011904, OMIM 607745.

Submissions (2):

Variantyx, Inc.
Classification: Pathogenic for Autosomal dominant SCN2A-related disorders. Last evaluated: 2025-05-22. Review status: criteria provided, single submitter. Criteria: Variantyx Assertion Criteria 2022. Collection method: clinical testing. Allele origin: de novo. Inheritance: Autosomal dominant inheritance. Affected: yes.
Comment: This is a canonical splicing variant in the SCN2A gene (OMIM: 182390). Pathogenic variants in this gene have been associated with autosomal dominant SCN2A-related disorders. This splicing variant has been shown to result in an in-frame event; however, complete loss of function cannot be predicted with confidence. Loss of function is a known mechanism of disease for SCN2A in this disorder (PMID:28256214) (PVS1_Strong). This variant is absent from control populations (PM2). This variant has not been reported in individuals with SCN2A-related disorders in the databases available for review. Based on the current evidence, this variant is classified as uncertain for autosomal dominant SCN2A-related disorders.

Labcorp Genetics (formerly Invitae), Labcorp
Classification: Likely pathogenic for Seizures, benign familial infantile, 3; Developmental and epileptic encephalopathy, 11. Last evaluated: 2024-06-07. Review status: criteria provided, single submitter. Criteria: Invitae Variant Classification Sherloc (09022015). Collection method: clinical testing. Allele origin: germline.
Comment: This sequence change affects an acceptor splice site in intron 16 of the SCN2A gene. It is expected to disrupt RNA splicing. Variants that disrupt the donor or acceptor splice site typically lead to a loss of protein function (PMID: 16199547), and loss-of-function variants in SCN2A are known to be pathogenic (PMID: 28379373). This variant is not present in population databases (gnomAD no frequency). This variant has not been reported in the literature in individuals affected with SCN2A-related conditions. Algorithms developed to predict the effect of sequence changes on RNA splicing suggest that this variant may disrupt the consensus splice site. In summary, the currently available evidence indicates that the variant is pathogenic, but additional data are needed to prove that conclusively. Therefore, this variant has been classified as Likely Pathogenic.

Literature cited by the submitters: PubMed 28256214 (cited by Variantyx, Inc.); PubMed 16199547 (cited by Labcorp Genetics (formerly Invitae), Labcorp); PubMed 28379373 (cited by Labcorp Genetics (formerly Invitae), Labcorp).

NM_001040142.2(SCN2A):c.2920-1G>A

Gene: SCN2A (sodium voltage-gated channel alpha subunit 2; plus strand). Cytogenetic location: 2q24.3.
Variant type: single nucleotide variant.
Coding change: c.2920-1G>A on transcript NM_001040142.2 (MANE Select); the canonical splice acceptor site of the intron before coding-DNA position 2920, G replaced by A.
Molecular consequence: splice acceptor variant.
Genome position (GRCh38, 1-based): chr2:165,354,191, G>A. VCF-style: chr2-165354191-G-A. GRCh37 (hg19) VCF-style: chr2-166210701-G-A.
Other names: c.2920-1G>A (NM_001040143.2, NM_001371246.1, NM_001371247.1 and 1 more transcripts).
Identifiers: ClinVar variation 3756723 (VCV003756723.3).